The following is an entry in ClinVar:

ClinVar aggregate classification (germline): Uncertain significance (1 of 4 stars; one submission).

Conditions:
Cardiovascular phenotype. Identifiers: MedGen CN230736.
Hereditary cancer-predisposing syndrome. Also called: Hereditary Cancer Syndrome; Hereditary neoplastic syndrome; Neoplastic Syndromes, Hereditary; Tumor predisposition. Identifiers: Orphanet 140162, MedGen C0027672, MeSH D009386, MONDO:0015356.

Submission:

Ambry Genetics
Classification: Uncertain significance for Cardiovascular phenotype; Hereditary cancer-predisposing syndrome. Last evaluated: 2021-08-18. Review status: criteria provided, single submitter. Criteria: Ambry Variant Classification Scheme 2023. Collection method: clinical testing. Allele origin: germline.
Comment: The p.V497E variant (also known as c.1490T>A), located in coding exon 13 of the NF1 gene, results from a T to A substitution at nucleotide position 1490. The valine at codon 497 is replaced by glutamic acid, an amino acid with dissimilar properties. This amino acid position is highly conserved in available vertebrate species. In addition, the in silico prediction for this alteration is inconclusive. Since supporting evidence is limited at this time, the clinical significance of this alteration remains unclear.

NM_001042492.3(NF1):c.1490T>A (p.Val497Glu)

Gene: NF1 (neurofibromin 1; plus strand). Cytogenetic location: 17q11.2.
Variant type: single nucleotide variant.
Coding change: c.1490T>A on transcript NM_001042492.3 (MANE Select); coding-DNA position 1490, T replaced by A.
Protein change: p.Val497Glu; replaces valine 497 with glutamic acid.
Molecular consequence: missense variant.
Genome position (GRCh38, 1-based): chr17:31,214,548, T>A. VCF-style: chr17-31214548-T-A. GRCh37 (hg19) VCF-style: chr17-29541566-T-A.
Other names: c.1490T>A, p.Val497Glu (NM_000267.4, NM_001128147.3); short protein forms V497E.
Identifiers: ClinVar variation 1773778 (VCV001773778.2), dbSNP rs2143960064, ClinGen allele CA399001626.